The following is an entry in ClinVar:

NM_019892.6(INPP5E):c.944C>T (p.Pro315Leu)

Gene: INPP5E (inositol polyphosphate-5-phosphatase E; minus strand). Cytogenetic location: 9q34.3.
Variant type: single nucleotide variant.
Coding change: c.944C>T on transcript NM_019892.6 (MANE Select); coding-DNA position 944, C replaced by T.
Protein change: p.Pro315Leu; replaces proline 315 with leucine.
Molecular consequence: missense variant.
Genome position (GRCh38, 1-based): chr9:136,434,127, G>A on the plus strand (C>T on the coding strand, the complement: INPP5E is on the minus strand). VCF-style: chr9-136434127-G-A. GRCh37 (hg19) VCF-style: chr9-139328579-G-A.
Other names: c.944C>T (NM_019892.5); c.944C>T, p.Pro315Leu (NM_001318502.2); short protein forms P315L.
Identifiers: ClinVar variation 217662 (VCV000217662.15), dbSNP rs754637179, ClinGen allele CA277720.
Genomic context (GRCh38, chr9:136,434,127, plus strand): 5'-ACATACAGGTCCTGGGCATAGTCGGCCTCGGCTGGGAGCAGGAACTCGTCCAGGCTGGGC[G>A]GGAGCTCCTGGAAGGAGGGAGCATGTGGTGGGCCGGCTCCTCCCGAAACCTGCAGGCGCC-3'
Protein context (NP_063945.2, residues 305-325): TWNMQGQKEL[Pro315Leu]PSLDEFLLPA

ClinVar aggregate classification (germline): Conflicting classifications of pathogenicity. Review status: criteria provided, conflicting classifications (1 of 4 stars). 5 submissions from 5 submitters: Pathogenic (2); Likely pathogenic (1); Uncertain significance (1). 1 of the submissions does not count toward it. Last evaluated 2026-02-02.

Conditions:
INPP5E-related disorder. Also called: INPP5E-related condition.
Joubert syndrome. Also called: Familial aplasia of the vermis; JOUBERT-BOLTSHAUSER SYNDROME. Identifiers: Orphanet 475, MedGen C5979921, MONDO:0018772.

Allele frequency attached by ClinVar (database versions not stated): gnomAD 0.00002; gnomAD exomes 0.00002 and 0.00003; TOPMed 0.00002; ExAC 0.00006.

Submissions (5):

Dasa
Classification: Likely pathogenic. Last evaluated: 2026-02-02. Review status: criteria provided, single submitter. Criteria: DASA Assertion Criteria. Collection method: clinical testing. Allele origin: germline.
Comment: NM_019892.6(INPP5E):c.944C>T (p.Pro315Leu) is a missense variant that results in the substitution of proline with leucine. The affected residue or protein region has prior evidence supporting clinical relevance. This variant has been recurrently observed in individuals with INPP5E-related disorders (PMID: 26092869; PMID: 28559085). Also, this variant is rare in population databases. Based on the currently available evidence, this variant is classified as likely pathogenic.

Labcorp Genetics (formerly Invitae), Labcorp
Classification: Pathogenic for Joubert syndrome. Last evaluated: 2026-01-05. Review status: criteria provided, single submitter. Criteria: Invitae Variant Classification Sherloc (09022015). Collection method: clinical testing. Allele origin: germline.
Comment: This sequence change replaces proline, which is neutral and non-polar, with leucine, which is neutral and non-polar, at codon 315 of the INPP5E protein (p.Pro315Leu). The frequency data for this variant in the population databases is considered unreliable, as metrics indicate poor data quality at this position in the gnomAD database. This missense change has been observed in individuals with INPP5E-related conditions (PMID: 26092869, 28559085; internal data). ClinVar contains an entry for this variant (Variation ID: 217662). Invitae Evidence Modeling of protein sequence and biophysical properties (such as structural, functional, and spatial information, amino acid conservation, physicochemical variation, residue mobility, and thermodynamic stability) has been performed for this missense variant. However, the output from this modeling did not meet the statistical confidence thresholds required to predict the impact of this variant on INPP5E protein function. For these reasons, this variant has been classified as Pathogenic.

Blueprint Genetics
Classification: Uncertain significance. Last evaluated: 2023-09-21. Review status: criteria provided, single submitter. Criteria: ACMG Guidelines, 2015. Collection method: clinical testing. Allele origin: germline.

UW Hindbrain Malformation Research Program, University of Washington
Classification: Pathogenic for Joubert syndrome 1. Last evaluated: 2015-02-23. Review status: criteria provided, single submitter. Criteria: Bachmann-Gagescu et al. (J Med Genet. 2015). Collection method: research. Allele origin: unknown. Affected: yes.

PreventionGenetics, part of Exact Sciences
Classification: Uncertain significance for INPP5E-related condition. Last evaluated: 2024-01-27. Review status: no assertion criteria provided. Collection method: clinical testing. Allele origin: germline. Not counted in ClinVar's aggregate classification.
Comment: The INPP5E c.944C>T variant is predicted to result in the amino acid substitution p.Pro315Leu. This variant has been reported in two patients with Joubert syndrome, although pathogenicity was not conclusively determined (Table S5, Bachmann-Gagescu et al 2015. PubMed ID: 26092869; Table S1, Stone et al 2017. PubMed ID: 28559085). This variant is reported in 0.0060% of alleles in individuals of Latino descent in gnomAD. At this time, the clinical significance of this variant is uncertain due to the absence of conclusive functional and genetic evidence.

Literature cited by the submitters: PubMed 26092869 (cited by Dasa and Labcorp Genetics (formerly Invitae), Labcorp); PubMed 28559085 (cited by Dasa and Labcorp Genetics (formerly Invitae), Labcorp).